The following is an entry in ClinVar:

NC_000014.8:g.(?_94187790)_(94187912_?)del

Gene: PRIMA1 (proline rich membrane anchor 1; minus strand). Cytogenetic location: 14q32.12.
Variant type: Deletion.
Identifiers: ClinVar variation 2427563 (VCV002427563.5).

ClinVar aggregate classification (germline): Uncertain significance (1 of 4 stars; one submission).

Conditions:
Familial sleep-related hypermotor epilepsy. Also called: Autosomal Dominant Sleep-Related Hypermotor (Hyperkinetic) Epilepsy. Identifiers: Orphanet 98784, MedGen C3696898, MONDO:0000030.

Submission:

Labcorp Genetics (formerly Invitae), Labcorp
Classification: Uncertain significance for Familial sleep-related hypermotor epilepsy. Last evaluated: 2022-06-14. Review status: criteria provided, single submitter. Criteria: Invitae Variant Classification Sherloc (09022015). Collection method: clinical testing. Allele origin: germline.
Comment: This variant is a gross deletion of the genomic region encompassing exon(s) 5 of the PRIMA1 gene, which includes the termination codon. This deletion extends beyond the assayed region for this gene and therefore may encompass additional genes. While this deletion is not anticipated to lead to nonsense mediated decay, it is expected to alter mRNA translation or result in a truncated protein product. This variant has not been reported in the literature in individuals affected with PRIMA1-related conditions. In summary, the available evidence is currently insufficient to determine the role of this variant in disease. Therefore, it has been classified as a Variant of Uncertain Significance.